The following is an entry in ClinVar:

NM_001166108.2(PALLD):c.1264C>T (p.His422Tyr)

Gene: PALLD (palladin, cytoskeletal associated protein; plus strand). Cytogenetic location: 4q32.3.
Variant type: single nucleotide variant.
Coding change: c.1264C>T on transcript NM_001166108.2 (MANE Select); coding-DNA position 1264, C replaced by T.
Protein change: p.His422Tyr; replaces histidine 422 with tyrosine.
Molecular consequence: missense variant.
Genome position (GRCh38, 1-based): chr4:168,685,488, C>T. VCF-style: chr4-168685488-C-T. GRCh37 (hg19) VCF-style: chr4-169606639-C-T.
Other names: c.118C>T, p.His40Tyr (NM_001166109.2); c.1264C>T, p.His422Tyr (NM_016081.4); short protein forms H422Y, H40Y.
Identifiers: ClinVar variation 1763812 (VCV001763812.2), dbSNP rs2531609733, ClinGen allele CA358794385.

ClinVar aggregate classification (germline): Uncertain significance (1 of 4 stars; one submission).

Submission:

Ambry Genetics
Classification: Uncertain significance. Last evaluated: 2022-10-11. Review status: criteria provided, single submitter. Criteria: Ambry Variant Classification Scheme 2023. Collection method: clinical testing. Allele origin: germline.
Comment: The p.H422Y variant (also known as c.1264C>T), located in coding exon 5 of the PALLD gene, results from a C to T substitution at nucleotide position 1264. The histidine at codon 422 is replaced by tyrosine, an amino acid with similar properties. This amino acid position is conserved. In addition, this alteration is predicted to be tolerated by in silico analysis. Since supporting evidence is limited at this time, the clinical significance of this alteration remains unclear.